The following is an entry in ClinVar:

NM_001127173.3(CADM3):c.533G>A (p.Arg178His)

Gene: CADM3 (cell adhesion molecule 3; plus strand). Cytogenetic location: 1q23.2.
Variant type: single nucleotide variant.
Coding change: c.533G>A on transcript NM_001127173.3 (MANE Select); coding-DNA position 533, G replaced by A.
Protein change: p.Arg178His; replaces arginine 178 with histidine.
Molecular consequence: missense variant.
Genome position (GRCh38, 1-based): chr1:159,193,882, G>A. VCF-style: chr1-159193882-G-A. GRCh37 (hg19) VCF-style: chr1-159163672-G-A.
Other names: c.635G>A (NM_021189.4); c.533G>A, p.Arg178His (NM_001346510.2); c.635G>A, p.Arg212His (NM_021189.5); short protein forms R178H, R212H.
Identifiers: ClinVar variation 3484269 (VCV003484269.2).
Genomic context (GRCh38, chr1:159,193,882, plus strand): 5'-TGTCTCTCTCTGTGTGTTTGTGTGTGTGCCACTGTTTCTGCACTCTAGGAGAACCAACCC[G>A]CATACAGGAAGATCCCAATGGTAAAACCTTCACTGTCAGCAGCTCGGTGACATTCCAGGT-3'
Protein context (NP_001120645.1, residues 168-188): GDQELHGEPT[Arg178His]IQEDPNGKTF

ClinVar aggregate classification (germline): Uncertain significance. Review status: criteria provided, multiple submitters, no conflicts (2 of 4 stars). 2 submissions from 2 submitters: Uncertain significance (2). Last evaluated 2026-05-03.

Conditions:
CADM3-related condition.
Inborn genetic diseases. Identifiers: MedGen C0950123, MeSH D030342.

gnomAD v4.1: 24 of 1,613,652 alleles (0.0015%); highest among the groups gnomAD compares: African/African-American, 0.004%; no homozygotes.

Submissions (2):

PreventionGenetics, part of Exact Sciences
Classification: Uncertain significance for CADM3-related condition. Last evaluated: 2026-05-03. Review status: criteria provided, single submitter. Criteria: ACMG Guidelines, 2015. Collection method: clinical testing. Allele origin: germline.
Comment: The CADM3 c.635G>A variant is predicted to result in the amino acid substitution p.Arg212His. To our knowledge, this variant has not been reported in the literature. This variant is reported in 0.0050% of alleles in individuals of East Asian descent in gnomAD. At this time, the clinical significance of this variant is uncertain due to the absence of conclusive functional and genetic evidence.

Ambry Genetics
Classification: Uncertain significance for Inborn genetic diseases. Last evaluated: 2024-08-27. Review status: criteria provided, single submitter. Criteria: Ambry Variant Classification Scheme 2023. Collection method: clinical testing. Allele origin: germline.